The following is an entry in ClinVar:

ClinVar aggregate classification (germline): Pathogenic (0 of 4 stars; one submission).

Submission:

ISCA Site 6
Classification: Pathogenic. Last evaluated: 2018-02-05. Review status: no assertion criteria provided. Collection method: clinical testing. Allele origin: unknown. Affected: yes. Observed: 1 variant allele.
Comment: 16p11.2 recurrent region (includes TBX6) (proximal region) (BP4-BP5) (hg19 chr16: 29,649,996-30,199,855), enriched in cases with ID/DD, MCA etc vs controls, ClinGen triplosensitivity score = 3

Copy number variation identified through the course of routine clinical cytogenomic testing in postnatal populations. Clinical assertions have been curated as described in Kaminsky et al. 2011.

Copy number variation identified through the course of routine clinical cytogenomic testing in postnatal populations. Clinical assertions have been curated as described in Kaminsky, et al. 2011 (PubMed 21844811). For additional ClinGen data, please see nstd37.

GRCh38/hg38 16p11.2(chr16:29441012-30183432)x3

Genes: SLX1B (structure-specific endonuclease subunit SLX1B; plus strand), SLX1B-SULT1A4 (SLX1B-SULT1A4 readthrough (NMD candidate); plus strand), SPN (sialophorin; plus strand), SULT1A4 (sulfotransferase family 1A member 4; plus strand), TAOK2 (TAO kinase 2; plus strand) and 106 more. Cytogenetic location: 16p11.2.
Variant type: copy number gain.
Change: copy number 3 (three copies instead of two) of chr16:29,441,012-30,183,432 (742.4 kb, GRCh38 coordinates, 1-based), cytogenetic band 16p11.2.
Identifiers: ClinVar variation 60374 (VCV000060374.4).